The following is an entry in ClinVar:

NM_000836.4(GRIN2D):c.417G>A (p.Leu139=)

Genes: GRIN2D (glutamate ionotropic receptor NMDA type subunit 2D; plus strand), LOC130064856 (ATAC-STARR-seq lymphoblastoid silent region 10880; plus strand). Cytogenetic location: 19q13.33.
Variant type: single nucleotide variant.
Coding change: c.417G>A on transcript NM_000836.4 (MANE Select); coding-DNA position 417, G replaced by A.
Protein change: p.Leu139=; no amino-acid change (leucine 139 retained).
Molecular consequence: synonymous variant.
Genome position (GRCh38, 1-based): chr19:48,398,809, G>A. VCF-style: chr19-48398809-G-A. GRCh37 (hg19) VCF-style: chr19-48902066-G-A.
Identifiers: ClinVar variation 1632739 (VCV001632739.34), dbSNP rs10413649, ClinGen allele CA9550329.
Genomic context (GRCh38, chr19:48,398,809, plus strand): 5'-CGACTCGCGCGCGCCCGCCGTCGCGCCCATCCTCGACTTCCTGTCGGCGCAGACCTCGCT[G>A]CCCATCGTGGCCGTGCACGGCGGCGCCGCGCTCGTGCTCACGCCCAAGGTGCGCGCGACC-3'
Protein context (NP_000827.2, residues 129-149): ILDFLSAQTS[Leu139=]PIVAVHGGAA

ClinVar aggregate classification (germline): Benign/Likely benign. Review status: criteria provided, multiple submitters, no conflicts (2 of 4 stars). 4 submissions from 4 submitters: Benign (3); Likely benign (1). Last evaluated 2026-01-24.

Allele frequency attached by ClinVar (database versions not stated): gnomAD exomes 0.00005 and 0.00008; ExAC 0.00018; gnomAD 0.00074 and 0.00078; TOPMed 0.00088; 1000 Genomes Project 30x 0.00109; 1000 Genomes Project 0.00120.
gnomAD v4.1: 192 of 1,442,220 alleles (0.013%); highest among the groups gnomAD compares: African/African-American, 0.24%; 1 homozygote.

Submissions (4):

Labcorp Genetics (formerly Invitae), Labcorp
Classification: Benign. Last evaluated: 2026-01-24. Review status: criteria provided, single submitter. Criteria: Invitae Variant Classification Sherloc (09022015). Collection method: clinical testing. Allele origin: germline.

Blueprint Genetics
Classification: Likely benign. Last evaluated: 2024-11-25. Review status: criteria provided, single submitter. Criteria: ACMG Guidelines, 2015. Collection method: clinical testing. Allele origin: germline.

CeGaT Center for Human Genetics Tuebingen
Classification: Benign. Last evaluated: 2022-05-01. Review status: criteria provided, single submitter. Criteria: CeGaT Center For Human Genetics Tuebingen Variant Classification Criteria Version 2. Collection method: clinical testing. Allele origin: germline. Affected: yes. Observed: 1 variant allele.
Comment: GRIN2D: BS1, BS2

Breakthrough Genomics
Classification: Benign. Review status: criteria provided, single submitter. Criteria: ACMG Guidelines, 2015. Collection method: not provided. Allele origin: germline. Inheritance: Autosomal dominant inheritance. Affected: yes.